The following is an entry in ClinVar:

ClinVar aggregate classification (germline): Uncertain significance (1 of 4 stars; one submission).

Conditions:
Cardiovascular phenotype. Identifiers: MedGen CN230736.
Hereditary cancer-predisposing syndrome. Also called: Tumor predisposition; Neoplastic Syndromes, Hereditary; Hereditary Cancer Syndrome; Hereditary neoplastic syndrome. Identifiers: Orphanet 140162, MedGen C0027672, MeSH D009386, MONDO:0015356.

Allele frequency attached by ClinVar (database versions not stated): gnomAD exomes below 0.00001.
gnomAD v4.1: 3 of 1,351,804 alleles (0.00022%); highest among the groups gnomAD compares: Non-Finnish European, 0.0003%; no homozygotes.

Submission:

Ambry Genetics
Classification: Uncertain significance for Cardiovascular phenotype; Hereditary cancer-predisposing syndrome. Last evaluated: 2020-10-09. Review status: criteria provided, single submitter. Criteria: Ambry Variant Classification Scheme 2023. Collection method: clinical testing. Allele origin: germline.
Comment: The p.V1077L variant (also known as c.3229G>C), located in coding exon 25 of the NF1 gene, results from a G to C substitution at nucleotide position 3229. The valine at codon 1077 is replaced by leucine, an amino acid with highly similar properties. This amino acid position is highly conserved in available vertebrate species. In addition, the in silico prediction for this alteration is inconclusive. Since supporting evidence is limited at this time, the clinical significance of this alteration remains unclear.

NM_001042492.3(NF1):c.3229G>C (p.Val1077Leu)

Gene: NF1 (neurofibromin 1; plus strand). Cytogenetic location: 17q11.2.
Variant type: single nucleotide variant.
Coding change: c.3229G>C on transcript NM_001042492.3 (MANE Select); coding-DNA position 3229, G replaced by C.
Protein change: p.Val1077Leu; replaces valine 1077 with leucine.
Molecular consequence: missense variant.
Genome position (GRCh38, 1-based): chr17:31,232,104, G>C. VCF-style: chr17-31232104-G-C. GRCh37 (hg19) VCF-style: chr17-29559122-G-C.
Other names: c.3229G>C, p.Val1077Leu (NM_000267.4); short protein forms V1077L.
Identifiers: ClinVar variation 1729153 (VCV001729153.2), dbSNP rs2508223756, ClinGen allele CA398988715.
Genomic context (GRCh38, chr17:31,232,104, plus strand): 5'-TTTTTTTTTTTTTTTTTTTTTTTTTTCAGAGATTTGGACCAGGCAAGCATGGAAGCAGTA[G>C]TTTCACTTCTAGCTGGTCTCCCTCTGCAGCCTGAAGAAGGAGATGGTGTGGAATTGATGG-3'
Protein context (NP_001035957.1, residues 1067-1087): DLDQASMEAV[Val1077Leu]SLLAGLPLQP